The following is an entry in ClinVar:

ClinVar aggregate classification (germline): Uncertain significance. Review status: criteria provided, single submitter (1 of 4 stars). 2 submissions from 2 submitters: Uncertain significance (1). 1 of the submissions does not count toward it. Last evaluated 2022-07-01.

Conditions:
Propionic acidemia (PROP). Also called: GLYCINEMIA, KETOTIC; HYPERGLYCINEMIA WITH KETOACIDOSIS AND LEUKOPENIA; KETOTIC HYPERGLYCINEMIA. Identifiers: Orphanet 35, MedGen C0268579, MONDO:0011628, OMIM 606054, HP:0003571.

Allele frequency attached by ClinVar (database versions not stated): gnomAD exomes 0.00001 and 0.00002.
gnomAD v4.1: 28 of 1,613,988 alleles (0.0017%); highest among the groups gnomAD compares: Non-Finnish European, 0.0023%; no homozygotes.

Submissions (2):

Labcorp Genetics (formerly Invitae), Labcorp
Classification: Uncertain significance for Propionic acidemia. Last evaluated: 2022-07-01. Review status: criteria provided, single submitter. Criteria: Invitae Variant Classification Sherloc (09022015). Collection method: clinical testing. Allele origin: germline.
Comment: This sequence change replaces threonine, which is neutral and polar, with isoleucine, which is neutral and non-polar, at codon 457 of the PCCB protein (p.Thr457Ile). This variant is present in population databases (no rsID available, gnomAD 0.003%). This variant has not been reported in the literature in individuals affected with PCCB-related conditions. ClinVar contains an entry for this variant (Variation ID: 1001139). Advanced modeling of protein sequence and biophysical properties (such as structural, functional, and spatial information, amino acid conservation, physicochemical variation, residue mobility, and thermodynamic stability) performed at Invitae indicates that this missense variant is expected to disrupt PCCB protein function. In summary, the available evidence is currently insufficient to determine the role of this variant in disease. Therefore, it has been classified as a Variant of Uncertain Significance.

Natera, Inc.
Classification: Uncertain significance for Propionic acidemia. Last evaluated: 2021-05-13. Review status: no assertion criteria provided. Collection method: clinical testing. Allele origin: germline. Not counted in ClinVar's aggregate classification.

NM_000532.5(PCCB):c.1370C>T (p.Thr457Ile)

Gene: PCCB (propionyl-CoA carboxylase subunit beta; plus strand). Cytogenetic location: 3q22.3.
Variant type: single nucleotide variant.
Coding change: c.1370C>T on transcript NM_000532.5 (MANE Select); coding-DNA position 1370, C replaced by T.
Protein change: p.Thr457Ile; replaces threonine 457 with isoleucine.
Molecular consequence: missense variant.
Genome position (GRCh38, 1-based): chr3:136,327,704, C>T. VCF-style: chr3-136327704-C-T. GRCh37 (hg19) VCF-style: chr3-136046546-C-T.
Other names: c.1430C>T, p.Thr477Ile (NM_001178014.2); short protein forms T457I, T477I.
Identifiers: ClinVar variation 1001139 (VCV001001139.9), dbSNP rs1301343613, ClinGen allele CA354649438.
Genomic context (GRCh38, chr3:136,327,704, plus strand): 5'-GTGCCTATGATGTCATGAGCTCTAAGCACCTTTGTGGTGATACCAACTATGCCTGGCCCA[C>T]CGCAGAGATTGCAGTCATGGGAGCAAAGGTGAGGGCCTCTTGCTTTTCCCTTTCTGGGTC-3'
Protein context (NP_000523.2, residues 447-467): LCGDTNYAWP[Thr457Ile]AEIAVMGAKG